The following is an entry in ClinVar:

NM_001042492.3(NF1):c.4380dup (p.Met1461fs)

Gene: NF1 (neurofibromin 1; plus strand). Cytogenetic location: 17q11.2.
Variant type: Duplication.
Coding change: c.4380dup on transcript NM_001042492.3 (MANE Select); coding-DNA position 4380, one base duplicated (T; older notation c.4380dupT).
Protein change: p.Met1461fs; shifts the reading frame from methionine 1461.
Molecular consequence: frameshift variant.
Genome position (GRCh38, 1-based): chr17:31,259,079, T duplicated. VCF-style (leftmost placement, unchanged base first): chr17-31259078-A-AT. GRCh37 (hg19) VCF-style: chr17-29586096-A-AT.
Other names: c.4317dupT (NM_000267.3); c.4317dup, p.Met1440Tyrfs (NM_000267.4); short protein forms M1461fs, M1440fs.
Identifiers: ClinVar variation 280182 (VCV000280182.2), dbSNP rs886041435, ClinGen allele CA10603295.

ClinVar aggregate classification (germline): Pathogenic (1 of 4 stars; one submission).

Submission:

GeneDx
Classification: Pathogenic. Last evaluated: 2015-12-18. Review status: criteria provided, single submitter. Criteria: GeneDx Variant Classification (06012015). Collection method: clinical testing. Allele origin: germline. Affected: yes.
Comment: The c.4317dupT variant in the NF1 gene has not been reported previously as a pathogenic variant nor as a benign variant, to our knowledge. The c.4317dupT variant causes a frameshift starting with codon Methionine 1440, changes this amino acid to a Tyrosine residue, and creates a premature Stop codon at position 6 of the new reading frame, denoted p.Met1440TyrfsX6. This variant is predicted to cause loss of normal protein function either through protein truncation or nonsense-mediated mRNA decay. The c.4317dupT variant was not observed in approximately 6500 individuals of European and African American ancestry in the NHLBI Exome Sequencing Project, indicating it is not a common benign variant in these populations. We interpret c.4317dupT as a pathogenic variant.